The following is an entry in ClinVar:

NM_000297.4(PKD2):c.2891_2892dup (p.Asn965fs)

Gene: PKD2 (polycystin 2, transient receptor potential cation channel; plus strand). Cytogenetic location: 4q22.1.
Variant type: Duplication.
Coding change: c.2891_2892dup on transcript NM_000297.4 (MANE Select); coding-DNA positions 2891 to 2892, 2 bases duplicated (CT; older notation c.2891_2892dupCT).
Protein change: p.Asn965fs; shifts the reading frame from asparagine 965.
Molecular consequence: frameshift variant. On other transcripts: non-coding transcript variant (1).
Genome position (GRCh38, 1-based): chr4:88,075,678-88,075,679, CT duplicated; duplicating any 2 consecutive bases within chr4:88,075,677-88,075,679 gives the same sequence; the c. name uses the placement nearest the transcript's 3' end. VCF-style (leftmost placement, unchanged base first): chr4-88075676-T-TTC. GRCh37 (hg19) VCF-style: chr4-88996828-T-TTC.
Other names: short protein forms N965fs.
Identifiers: ClinVar variation 3343119 (VCV003343119.1).

ClinVar aggregate classification (germline): Likely pathogenic (1 of 4 stars; one submission).

Submission:

GeneDx
Classification: Likely pathogenic. Last evaluated: 2023-04-17. Review status: criteria provided, single submitter. Criteria: GeneDx Variant Classification Process June 2021. Collection method: clinical testing. Allele origin: germline. Affected: yes.
Comment: Frameshift variant predicted to result in protein elongation, as the last 4 amino acids are replaced with 34 different amino acids, and loss-of-function variants have been reported downstream in HGMD; Not observed at significant frequency in large population cohorts (gnomAD); Has not been previously published as pathogenic or benign to our knowledge